The following is an entry in ClinVar:

ClinVar aggregate classification (germline): Uncertain significance (1 of 4 stars; one submission).

Conditions:
Cardiovascular phenotype. Identifiers: MedGen CN230736.

gnomAD v4.1: 1 of 1,614,062 alleles (0.000062%); highest among the groups gnomAD compares: East Asian, 0.0022%; no homozygotes.

Submission:

Ambry Genetics
Classification: Uncertain significance for Cardiovascular phenotype. Last evaluated: 2023-06-29. Review status: criteria provided, single submitter. Criteria: Ambry Variant Classification Scheme 2023. Collection method: clinical testing. Allele origin: germline.
Comment: The p.Q1014H variant (also known as c.3042G>C), located in coding exon 20 of the TRPM4 gene, results from a G to C substitution at nucleotide position 3042. The glutamine at codon 1014 is replaced by histidine, an amino acid with highly similar properties. This amino acid position is conserved. In addition, this alteration is predicted to be tolerated by in silico analysis. Since supporting evidence is limited at this time, the clinical significance of this alteration remains unclear.

NM_017636.4(TRPM4):c.3042G>C (p.Gln1014His)

Gene: TRPM4 (transient receptor potential cation channel subfamily M member 4; plus strand). Cytogenetic location: 19q13.33.
Variant type: single nucleotide variant.
Coding change: c.3042G>C on transcript NM_017636.4 (MANE Select); coding-DNA position 3042, G replaced by C.
Protein change: p.Gln1014His; replaces glutamine 1014 with histidine.
Molecular consequence: missense variant.
Genome position (GRCh38, 1-based): chr19:49,202,052, G>C. VCF-style: chr19-49202052-G-C. GRCh37 (hg19) VCF-style: chr19-49705309-G-C.
Other names: c.2607G>C, p.Gln869His (NM_001195227.2); c.2697G>C, p.Gln899His (NM_001321281.2); c.1434G>C, p.Gln478His (NM_001321282.2); c.2520G>C, p.Gln840His (NM_001321283.2); c.1980G>C, p.Gln660His (NM_001321285.2); short protein forms Q840H, Q899H, Q478H, Q660H, Q1014H, Q869H.
Identifiers: ClinVar variation 2625617 (VCV002625617.2), dbSNP rs760180916, ClinGen allele CA406812839.
Genomic context (GRCh38, chr19:49,202,052, plus strand): 5'-GTCGGAGCCCGGCTTCTGGGCACACCCTCCTGGGGCCCAGGCGGGCACCTGCGTCTCCCA[G>C]TATGCCAACTGGCTGGTGGTGCTGCTCCTCGTCATCTTCCTGCTCGTGGCCAACATCCTG-3'
Protein context (NP_060106.2, residues 1004-1024): PGAQAGTCVS[Gln1014His]YANWLVVLLL